The following is an entry in ClinVar:

NM_001103.4(ACTN2):c.1245T>G (p.Thr415=)

Gene: ACTN2 (actinin alpha 2; plus strand). Cytogenetic location: 1q43.
Variant type: single nucleotide variant.
Coding change: c.1245T>G on transcript NM_001103.4 (MANE Select); coding-DNA position 1245, T replaced by G.
Protein change: p.Thr415=; no amino-acid change (threonine 415 retained).
Molecular consequence: synonymous variant. On other transcripts: non-coding transcript variant (1).
Genome position (GRCh38, 1-based): chr1:236,743,033, T>G. VCF-style: chr1-236743033-T-G. GRCh37 (hg19) VCF-style: chr1-236906333-T-G.
Other names: c.1245T>G, p.Thr415= (NM_001278343.2); c.621T>G, p.Thr207= (NM_001278344.2); c.495T>G, p.Thr165= (NM_001412150.1); c.1245T>G (NM_001103.3).
Identifiers: ClinVar variation 1759477 (VCV001759477.9), dbSNP rs760119138, ClinGen allele CA1473083.
Genomic context (GRCh38, chr1:236,743,033, plus strand): 5'-ACTGGAGCGCTTGGAACACCTGGCTGAGAAGTTCAGGCAGAAGGCCTCAACGCACGAGAC[T>G]TGGGCTTATGGTAAGTAGACAGGAGTCAGATTGGATTTTTGAAAAACCAGAGTTGAGCCA-3'
Protein context (NP_001094.1, residues 405-425): KFRQKASTHE[Thr415=]WAYGKEQILL

ClinVar aggregate classification (germline): Benign/Likely benign. Review status: criteria provided, multiple submitters, no conflicts (2 of 4 stars). 3 submissions from 3 submitters: Benign (1); Likely benign (1). 1 of the submissions does not count toward it. Last evaluated 2025-10-17.

Conditions:
ACTN2-related disorder. Also called: ACTN2 related condition; ACTN2-related disorders.
Cardiovascular phenotype. Identifiers: MedGen CN230736.
Dilated cardiomyopathy 1AA (CMD1AA). Also called: Cardiomyopathy, dilated, 1AA, with or without LVNC; CARDIOMYOPATHY, DILATED, 1AA, WITH OR WITHOUT LEFT VENTRICULAR NONCOMPACTION; CARDIOMYOPATHY, FAMILIAL HYPERTROPHIC, 23, WITH OR WITHOUT LEFT VENTRICULAR NONCOMPACTION. Identifiers: Orphanet 154, MedGen C2677338, MONDO:0012808, OMIM 612158.
Primary familial hypertrophic cardiomyopathy (HCM). Identifiers: Orphanet 99739, MedGen C0949658, MeSH D024741, MONDO:0024573. Inheritance: Various modes of inheritance.

Allele frequency attached by ClinVar (database versions not stated): gnomAD 0.00001; ExAC 0.00002; gnomAD exomes 0.00002.

Submissions (3):

Labcorp Genetics (formerly Invitae), Labcorp
Classification: Benign for Primary familial hypertrophic cardiomyopathy; Dilated cardiomyopathy 1AA. Last evaluated: 2025-10-17. Review status: criteria provided, single submitter. Criteria: Invitae Variant Classification Sherloc (09022015). Collection method: clinical testing. Allele origin: germline.

Ambry Genetics
Classification: Likely benign for Cardiovascular phenotype. Last evaluated: 2020-11-15. Review status: criteria provided, single submitter. Criteria: Ambry Variant Classification Scheme 2023. Collection method: clinical testing. Allele origin: germline.

PreventionGenetics, part of Exact Sciences
Classification: Likely benign for ACTN2-related condition. Last evaluated: 2023-09-13. Review status: no assertion criteria provided. Collection method: clinical testing. Allele origin: germline. Not counted in ClinVar's aggregate classification.
Comment: This variant is classified as likely benign based on ACMG/AMP sequence variant interpretation guidelines (Richards et al. 2015 PMID: 25741868, with internal and published modifications).